The following is an entry in ClinVar:

ClinVar aggregate classification (germline): Uncertain significance (1 of 4 stars; one submission).

Submission:

Labcorp Genetics (formerly Invitae), Labcorp
Classification: Uncertain significance. Last evaluated: 2026-01-26. Review status: criteria provided, single submitter. Criteria: Invitae Variant Classification Sherloc (09022015). Collection method: clinical testing. Allele origin: germline.
Comment: This sequence change falls in intron 7 of the PIH1D3 gene. It does not directly change the encoded amino acid sequence of the PIH1D3 protein. It affects a nucleotide within the consensus splice site. This variant is not present in population databases (gnomAD no frequency). This variant has not been reported in the literature in individuals affected with PIH1D3-related conditions. Variants that disrupt the consensus splice site are a relatively common cause of aberrant splicing (PMID: 17576681, 9536098). Algorithms developed to predict the effect of sequence changes on RNA splicing suggest that this variant may disrupt the consensus splice site. In summary, the available evidence is currently insufficient to determine the role of this variant in disease. Therefore, it has been classified as a Variant of Uncertain Significance.

Literature cited by the submitters: PubMed 17576681; PubMed 9536098.

NM_173494.2(DNAAF6):c.516-3T>A

Gene: DNAAF6 (dynein axonemal assembly factor 6; plus strand). Cytogenetic location: Xq22.3.
Variant type: single nucleotide variant.
Coding change: c.516-3T>A on transcript NM_173494.2 (MANE Select); 3 bases into the intron before coding-DNA position 516, T replaced by A.
Molecular consequence: intron variant.
Genome position (GRCh38, 1-based): chrX:107,243,166, T>A. VCF-style: chrX-107243166-T-A. GRCh37 (hg19) VCF-style: chrX-106486396-T-A.
Other names: c.516-3T>A (NM_001169154.2).
Identifiers: ClinVar variation 4736171 (VCV004736171.1).